The following is an entry in ClinVar:

NC_000009.12:g.35658037_35658038insCTAGTATTTTACAGA

Gene: RMRP (RNA component of mitochondrial RNA processing endoribonuclease; minus strand). Cytogenetic location: 9p13.3.
Variant type: Insertion.
Genome position: GRCh38 VCF-style: chr9-35658032-C-CACAGACTAGTATTTT. GRCh37 (hg19) VCF-style: chr9-35658029-C-CACAGACTAGTATTTT.
Identifiers: ClinVar variation 2739610 (VCV002739610.3), dbSNP rs1563908191, ClinGen allele CA2697557722.

ClinVar aggregate classification (germline): Pathogenic (1 of 4 stars; one submission).

Conditions:
Anauxetic dysplasia. Identifiers: Orphanet 93347, MedGen C1846796, MONDO:0011773.

Submission:

Labcorp Genetics (formerly Invitae), Labcorp
Classification: Pathogenic for Anauxetic dysplasia. Last evaluated: 2023-07-09. Review status: criteria provided, single submitter. Criteria: Invitae Variant Classification Sherloc (09022015). Collection method: clinical testing. Allele origin: germline.
Comment: This variant is not present in population databases (gnomAD no frequency). For these reasons, this variant has been classified as Pathogenic. While functional studies for this variant have not been reported, experimental analyses using patient derived cells, as well as in vitro transfection studies, have shown that promoter insertions result in silencing of RMRP transcription and reduced expression of the gene product (PMID: 11207361, 16254002). While this particular variant has not been reported in the literature, it is located in the promoter region between the TATA box and the transcription initiation site, and other insertions and duplications immediately upstream of the coding sequence have been reported in individuals affected with cartilage-hair hypoplasia-anauxetic dysplasia (CHH-AD) spectrum disorders (PMID: 16244706, 11207361, 12107819). This variant occurs in the RMRP gene, which encodes an RNA molecule that does not result in a protein product.

Literature cited by the submitters: PubMed 11207361; PubMed 16254002; PubMed 16244706; PubMed 12107819.